The following is an entry in ClinVar:

ClinVar aggregate classification (germline): Conflicting classifications of pathogenicity. Review status: criteria provided, conflicting classifications (1 of 4 stars). 3 submissions from 3 submitters: Uncertain significance (2); Benign (1). Last evaluated 2023-02-01.

Conditions:
Unverricht-Lundborg syndrome. Also called: Unverricht-Lundborg Disease; EPILEPSY, PROGRESSIVE MYOCLONIC, 1A; Progressive myoclonus epilepsy baltic myoclonic epilepsy; Myoclonus progressive epilepsy of Unverricht and Lundborg; Epilepsy, progressive myoclonic 1A (Unverricht and Lundborg); Myoclonic epilepsy of unverricht and lundborg. Identifiers: Orphanet 308, MedGen C0751785, MONDO:0009698, OMIM 254800.

Allele frequency attached by ClinVar (database versions not stated): gnomAD exomes 0.00729; 1000 Genomes Project 0.00699; gnomAD 0.00808 and 0.00813; 1000 Genomes Project 30x 0.00718; TOPMed 0.00761.

Submissions (3):

CeGaT Center for Human Genetics Tuebingen
Classification: Benign. Last evaluated: 2023-02-01. Review status: criteria provided, single submitter. Criteria: CeGaT Center For Human Genetics Tuebingen Variant Classification Criteria Version 2. Collection method: clinical testing. Allele origin: germline. Affected: yes. Observed: 3 variant alleles.
Comment: CSTB: BS1, BS2

Illumina Laboratory Services, Illumina
Classification: Uncertain significance for Unverricht-Lundborg syndrome. Last evaluated: 2018-01-13. Review status: criteria provided, single submitter. Criteria: ICSL Variant Classification Criteria 13 December 2019. Collection method: clinical testing. Allele origin: germline.

Breakthrough Genomics
Classification: Uncertain significance. Review status: criteria provided, single submitter. Criteria: ACMG Guidelines, 2015. Collection method: not provided. Allele origin: germline. Inheritance: Autosomal dominant inheritance. Affected: yes.

NM_000100.3(CSTB):c.*355C>G

Gene: CSTB (cystatin B; minus strand). Cytogenetic location: 21q22.3.
Variant type: single nucleotide variant.
Coding change: c.*355C>G on transcript NM_000100.3; 355 bases downstream of the stop codon, C replaced by G.
Genome position (GRCh38, 1-based): chr21:43,773,847, G>C on the plus strand (C>G on the coding strand, the complement: CSTB is on the minus strand). VCF-style: chr21-43773847-G-C. GRCh37 (hg19) VCF-style: chr21-45193728-G-C.
Identifiers: ClinVar variation 340115 (VCV000340115.30), dbSNP rs143062585, ClinGen allele CA10644768.